The following is an entry in ClinVar:

ClinVar aggregate classification (germline): Conflicting classifications of pathogenicity. Review status: criteria provided, conflicting classifications (1 of 4 stars). 2 submissions from 2 submitters: Uncertain significance (1); Likely benign (1). Last evaluated 2025-09-01.

Conditions:
Heterotopia, periventricular, X-linked dominant (PVNH1). Also called: X-linked periventricular heterotopia; PERIVENTRICULAR NODULAR HETEROTOPIA 4; HETEROTOPIA, PERIVENTRICULAR, 1; PERIVENTRICULAR NODULAR HETEROTOPIA 1. Identifiers: Orphanet 2149, Orphanet 82004, MedGen C1848213, MONDO:0010233, OMIM 300049.
Frontometaphyseal dysplasia (FMD1). Identifiers: Orphanet 1826, MedGen C0265293, MONDO:0015942.
Melnick-Needles syndrome (MNS). Also called: Melnick-Needles Syndrome (FLNA-MNS); MELNICK-NEEDLES OSTEODYSPLASTY; OSTEODYSPLASTY OF MELNICK AND NEEDLES. Identifiers: Orphanet 2484, MedGen C0025237, MONDO:0010650, OMIM 309350.
Oto-palato-digital syndrome, type II (OPD2). Also called: FACIOPALATOOSSEOUS SYNDROME; Otopalatodigital Syndrome Type 2 (FLNA-OPD2); Otopalatodigital Syndrome, Type II; OPD II SYNDROME. Identifiers: Orphanet 669, Orphanet 90652, MedGen C1844696, MONDO:0010571, OMIM 304120.

Submissions (2):

CeGaT Center for Human Genetics Tuebingen
Classification: Likely benign. Last evaluated: 2025-09-01. Review status: criteria provided, single submitter. Criteria: CeGaT Center For Human Genetics Tuebingen Variant Classification Criteria Version 2. Collection method: clinical testing. Allele origin: germline. Affected: yes. Observed: 2 variant alleles.
Comment: FLNA: PM2, BP4, BS2

Labcorp Genetics (formerly Invitae), Labcorp
Classification: Uncertain significance for Oto-palato-digital syndrome, type II; Heterotopia, periventricular, X-linked dominant; Frontometaphyseal dysplasia; Melnick-Needles syndrome. Last evaluated: 2022-02-09. Review status: criteria provided, single submitter. Criteria: Invitae Variant Classification Sherloc (09022015). Collection method: clinical testing. Allele origin: germline.
Comment: This sequence change replaces threonine, which is neutral and polar, with serine, which is neutral and polar, at codon 1286 of the FLNA protein (p.Thr1286Ser). ClinVar contains an entry for this variant (Variation ID: 1044939). In summary, the available evidence is currently insufficient to determine the role of this variant in disease. Therefore, it has been classified as a Variant of Uncertain Significance. Advanced modeling of protein sequence and biophysical properties (such as structural, functional, and spatial information, amino acid conservation, physicochemical variation, residue mobility, and thermodynamic stability) performed at Invitae indicates that this missense variant is not expected to disrupt FLNA protein function. This variant has not been reported in the literature in individuals affected with FLNA-related conditions. This variant is not present in population databases (gnomAD no frequency).

NM_001110556.2(FLNA):c.3856A>T (p.Thr1286Ser)

Gene: FLNA (filamin A; minus strand). Cytogenetic location: Xq28.
Variant type: single nucleotide variant.
Coding change: c.3856A>T on transcript NM_001110556.2 (MANE Select); coding-DNA position 3856, A replaced by T.
Protein change: p.Thr1286Ser; replaces threonine 1286 with serine.
Molecular consequence: missense variant.
Genome position (GRCh38, 1-based): chrX:154,359,855, T>A on the plus strand (A>T on the coding strand, the complement: FLNA is on the minus strand). VCF-style: chrX-154359855-T-A. GRCh37 (hg19) VCF-style: chrX-153588223-T-A.
Other names: c.3856A>T, p.Thr1286Ser (NM_001456.4); short protein forms T1286S.
Identifiers: ClinVar variation 1044939 (VCV001044939.23), dbSNP rs2067691272, ClinGen allele CA415222232.